The following is an entry in ClinVar:

ClinVar aggregate classification (germline): Uncertain significance (1 of 4 stars; one submission).

Allele frequency attached by ClinVar (database versions not stated): gnomAD exomes below 0.00001.
gnomAD v4.1: 1 of 1,613,022 alleles (0.000062%); highest among the groups gnomAD compares: Non-Finnish European, 0.000085%; no homozygotes.

Submission:

GeneDx
Classification: Uncertain significance. Last evaluated: 2025-04-28. Review status: criteria provided, single submitter. Criteria: GeneDx Variant Classification Process June 2021. Collection method: clinical testing. Allele origin: germline. Affected: yes.
Comment: Not observed at significant frequency in large population cohorts (gnomAD); In silico analysis supports that this missense variant has a deleterious effect on protein structure/function; Has not been previously published as pathogenic or benign to our knowledge

NM_001287491.2(TET3):c.4001G>T (p.Gly1334Val)

Gene: TET3 (tet methylcytosine dioxygenase 3; plus strand). Cytogenetic location: 2p13.1.
Variant type: single nucleotide variant.
Coding change: c.4001G>T on transcript NM_001287491.2 (MANE Select); coding-DNA position 4001, G replaced by T.
Protein change: p.Gly1334Val; replaces glycine 1334 with valine.
Molecular consequence: missense variant.
Genome position (GRCh38, 1-based): chr2:74,100,789, G>T. VCF-style: chr2-74100789-G-T. GRCh37 (hg19) VCF-style: chr2-74327916-G-T.
Other names: c.3722G>T, p.Gly1241Val (NM_001366022.1); c.3596G>T, p.Gly1199Val (NM_144993.1); short protein forms G1199V, G1241V, G1334V.
Identifiers: ClinVar variation 2579383 (VCV002579383.2), dbSNP rs2528188742, ClinGen allele CA347318332.